The following is an entry in ClinVar:

NM_015175.3(NBEAL2):c.3135G>A (p.Met1045Ile)

Gene: NBEAL2 (neurobeachin like 2; plus strand). Cytogenetic location: 3p21.31.
Variant type: single nucleotide variant.
Coding change: c.3135G>A on transcript NM_015175.3 (MANE Select); coding-DNA position 3135, G replaced by A.
Protein change: p.Met1045Ile; replaces methionine 1045 with isoleucine.
Molecular consequence: missense variant.
Genome position (GRCh38, 1-based): chr3:46,998,479, G>A. VCF-style: chr3-46998479-G-A. GRCh37 (hg19) VCF-style: chr3-47039969-G-A.
Other names: c.3033G>A, p.Met1011Ile (NM_001365116.2); c.3135G>A (NM_015175.1); short protein forms M1045I, M1011I.
Identifiers: ClinVar variation 345651 (VCV000345651.8), dbSNP rs373596976, ClinGen allele CA2360853.

ClinVar aggregate classification (germline): Conflicting classifications of pathogenicity. Review status: criteria provided, conflicting classifications (1 of 4 stars). 3 submissions from 3 submitters: Uncertain significance (2); Likely benign (1). Last evaluated 2024-12-12.

Conditions:
Gray platelet syndrome (GPS). Also called: BLEEDING DISORDER, PLATELET-TYPE, 4. Identifiers: Orphanet 721, MedGen C0272302, MONDO:0007686, OMIM 139090.
NBEAL2-related disorder. Also called: NBEAL2-related condition.
Inborn genetic diseases. Identifiers: MedGen C0950123, MeSH D030342.

Allele frequency attached by ClinVar (database versions not stated): gnomAD exomes 0.00008 and 0.00015; gnomAD 0.00009 and 0.00010; TOPMed 0.00011; ESP Exome Variant Server 0.00016; ExAC 0.00018.

Submissions (3):

PreventionGenetics, part of Exact Sciences
Classification: Likely benign for NBEAL2-related condition. Last evaluated: 2024-12-12. Review status: criteria provided, single submitter. Criteria: ACMG Guidelines, 2015. Collection method: clinical testing. Allele origin: germline.
Comment: This variant is classified as likely benign based on ACMG/AMP sequence variant interpretation guidelines (Richards et al. 2015 PMID: 25741868, with internal and published modifications).

Ambry Genetics
Classification: Uncertain significance for Inborn genetic diseases. Last evaluated: 2023-07-19. Review status: criteria provided, single submitter. Criteria: Ambry Variant Classification Scheme 2023. Collection method: clinical testing. Allele origin: germline.

Illumina Laboratory Services, Illumina
Classification: Uncertain significance for Gray platelet syndrome. Last evaluated: 2018-01-12. Review status: criteria provided, single submitter. Criteria: ICSL Variant Classification Criteria 13 December 2019. Collection method: clinical testing. Allele origin: germline.